The following is an entry in ClinVar:

NM_005219.5(DIAPH1):c.343G>C (p.Glu115Gln)

Gene: DIAPH1 (diaphanous related formin 1; minus strand). Cytogenetic location: 5q31.3.
Variant type: single nucleotide variant.
Coding change: c.343G>C on transcript NM_005219.5 (MANE Select); coding-DNA position 343, G replaced by C.
Protein change: p.Glu115Gln; replaces glutamic acid 115 with glutamine.
Molecular consequence: missense variant.
Genome position (GRCh38, 1-based): chr5:141,584,183, C>G on the plus strand (G>C on the coding strand, the complement: DIAPH1 is on the minus strand). VCF-style: chr5-141584183-C-G. GRCh37 (hg19) VCF-style: chr5-140963750-C-G.
Other names: c.316G>C, p.Glu106Gln (NM_001079812.3); c.343G>C, p.Glu115Gln (NM_001314007.2); short protein forms E115Q, E106Q.
Identifiers: ClinVar variation 2944428 (VCV002944428.3), dbSNP rs371994484, ClinGen allele CA361543855.
Genomic context (GRCh38, chr5:141,584,183, plus strand): 5'-CAGCCTTGGAGGTGTACAAGTATTGGGACACCATCTCCCTCTTGATGATGATGTCCTTCT[C>G]CCTCAAAGGTTGCTGTTTCTCCTCATTCAGGTTCATATCCAGCTAGGAGAGGGAGAAAAA-3'
Protein context (NP_005210.3, residues 105-125): LNEEKQQPLR[Glu115Gln]KDIIIKREMV

ClinVar aggregate classification (germline): Uncertain significance (1 of 4 stars; one submission).

Conditions:
Progressive microcephaly-seizures-cortical blindness-developmental delay syndrome. Also called: Seizures, cortical blindness, and microcephaly syndrome. Identifiers: Orphanet 477814, MedGen C5567650, MONDO:0014714, OMIM 616632.
Autosomal dominant nonsyndromic hearing loss 1. Also called: KONIGSMARK SYNDROME; DEAFNESS, AUTOSOMAL DOMINANT 1, WITH OR WITHOUT THROMBOCYTOPENIA. Identifiers: Orphanet 90635, MedGen C1852282, MONDO:0007424, OMIM 124900.

Submission:

Labcorp Genetics (formerly Invitae), Labcorp
Classification: Uncertain significance for Progressive microcephaly-seizures-cortical blindness-developmental delay syndrome; Autosomal dominant nonsyndromic hearing loss 1. Last evaluated: 2023-02-16. Review status: criteria provided, single submitter. Criteria: Invitae Variant Classification Sherloc (09022015). Collection method: clinical testing. Allele origin: germline.
Comment: In summary, the available evidence is currently insufficient to determine the role of this variant in disease. Therefore, it has been classified as a Variant of Uncertain Significance. Experimental studies and prediction algorithms are not available or were not evaluated, and the functional significance of this variant is currently unknown. This variant has not been reported in the literature in individuals affected with DIAPH1-related conditions. This variant is not present in population databases (gnomAD no frequency). This sequence change replaces glutamic acid, which is acidic and polar, with glutamine, which is neutral and polar, at codon 115 of the DIAPH1 protein (p.Glu115Gln).